The following is an entry in ClinVar:

NM_177438.3(DICER1):c.2247C>A (p.Tyr749Ter)

Gene: DICER1 (dicer 1, ribonuclease III; minus strand). Cytogenetic location: 14q32.13.
Variant type: single nucleotide variant.
Coding change: c.2247C>A on transcript NM_177438.3 (MANE Select); coding-DNA position 2247, C replaced by A.
Protein change: p.Tyr749Ter; replaces tyrosine 749 with a stop codon.
Molecular consequence: nonsense.
Genome position (GRCh38, 1-based): chr14:95,111,326, G>T on the plus strand (C>A on the coding strand, the complement: DICER1 is on the minus strand). VCF-style: chr14-95111326-G-T. GRCh37 (hg19) VCF-style: chr14-95577663-G-T.
Other names: c.2247C>A, p.Tyr749Ter (NM_001195573.1, NM_001271282.3, NM_001291628.2 and 1 more transcripts); short protein forms Y749*.
Identifiers: ClinVar variation 254308 (VCV000254308.7), dbSNP rs886037689, ClinGen allele CA10586442.

ClinVar aggregate classification (germline): Pathogenic. Review status: criteria provided, multiple submitters, no conflicts (2 of 4 stars). 4 submissions from 4 submitters: Pathogenic (4). Last evaluated 2019-07-01.

Conditions:
DICER1-related tumor predisposition. Also called: DICER1 syndrome; DICER1-related pleuropulmonary blastoma cancer predisposition syndrome. Identifiers: Orphanet 284343, MedGen C3839822, MONDO:0100216.
Hereditary cancer-predisposing syndrome. Also called: Tumor predisposition; Hereditary Cancer Syndrome; Neoplastic Syndromes, Hereditary; Hereditary neoplastic syndrome. Identifiers: Orphanet 140162, MedGen C0027672, MeSH D009386, MONDO:0015356.

Submissions (4):

Foulkes Cancer Genetics LDI, Lady Davis Institute for Medical Research
Classification: Pathogenic for Pleuropulmonary blastoma. Last evaluated: 2019-07-01. Review status: criteria provided, single submitter. Criteria: ACMG Guidelines, 2015. Collection method: curation. Allele origin: germline. Affected: yes. Observed: 5 variant alleles.
Comment: ACMG criteria met: PVS1, PM2, PP4

GeneDx
Classification: Pathogenic. Last evaluated: 2017-11-17. Review status: criteria provided, single submitter. Criteria: GeneDx Variant Classification (06012015). Collection method: clinical testing. Allele origin: germline. Affected: yes.
Comment: This variant is denoted DICER1 c.2247C>A at the cDNA level and p.Tyr749Ter (Y749X) at the protein level. The substitution creates a nonsense variant, which changes a Tyrosine to a premature stop codon (TAC>TAA), and is predicted to cause loss of normal protein function through either protein truncation or nonsense-mediated mRNA decay. DICER1 Tyr749Ter segregated with disease in a large family with DICER1-Pleuropulmonary Blastoma Familial Tumor Predisposition Syndrome, and lymphoblasts from carriers of this variant showed reduction of the variant mRNA (Hill 2009). DICER1 Tyr749Ter has also been reported in at least two other individuals with personal and family histories of DICER1-related tumors (Doros 2012, Brenneman 2015). This variant is considered pathogenic.

International Pleuropulmonary Blastoma Registry, Children's Hospitals and Clinics of Minnesota
Classification: Pathogenic for Pleuropulmonary blastoma. Last evaluated: 2014-11-10. Review status: criteria provided, single submitter. Criteria: Hill et al. (Science. 2009). Collection method: clinical testing. Allele origin: germline. Affected: yes. Study: PPB-DICER1 Genetic study.

Ambry Genetics
Classification: Pathogenic for Hereditary cancer-predisposing syndrome. Last evaluated: 2013-03-26. Review status: criteria provided, single submitter. Criteria: Ambry Autosomal Dominant and X-Linked criteria (10/2015). Collection method: clinical testing. Allele origin: germline. Observed: 1 variant allele.
Comment: Ã¢â‚¬â€¹The p.Y749X pathogenic mutation (also known as c.2247C>A), located in coding exon 13 of the DICER1 gene, results from a C to A substitution at nucleotide position 2247. This changes the amino acid from a tyrosine to a stop codon within coding exon 13. In one study, this mutation was observed in a family with pleuropulmonary blastoma, with marked reduction in mRNA containing this mutation in lymphoblasts of individuals with this mutation. In this paper this mutation is known as p.Y739X (Hill DA et al. Science. 2009. Aug 21; 325 (5943): 965. Supporting Online Material). In addition to the clinical data presented in the literature, since premature stop codons are typically deleterious in nature, this alteration is interpreted as a disease-causing mutation (ACMG Recommendations for Standards for Interpretation and Reporting of Sequence Variations. Revision 2007. Genet Med. 2008;10:294).

Literature cited by the submitters: PubMed 19556464 (cited by Foulkes Cancer Genetics LDI, Lady Davis Institute for Medical Research); PubMed 22180160 (cited by Foulkes Cancer Genetics LDI, Lady Davis Institute for Medical Research); PubMed 26925222 (cited by Foulkes Cancer Genetics LDI, Lady Davis Institute for Medical Research and International Pleuropulmonary Blastoma Registry, Children's Hospitals and Clinics of Minnesota); PubMed 28323992 (cited by Foulkes Cancer Genetics LDI, Lady Davis Institute for Medical Research).